The following is an entry in ClinVar:

NM_207111.4(RNF216):c.298A>G (p.Arg100Gly)

Gene: RNF216 (ring finger protein 216; minus strand). Cytogenetic location: 7p22.1.
Variant type: single nucleotide variant.
Coding change: c.298A>G on transcript NM_207111.4 (MANE Select); coding-DNA position 298, A replaced by G.
Protein change: p.Arg100Gly; replaces arginine 100 with glycine.
Molecular consequence: missense variant. On other transcripts: intron variant (2).
Genome position (GRCh38, 1-based): chr7:5,741,719, T>C on the plus strand (A>G on the coding strand, the complement: RNF216 is on the minus strand). VCF-style: chr7-5741719-T-C. GRCh37 (hg19) VCF-style: chr7-5781350-T-C.
Other names: c.202-75A>G (NM_207116.3, NM_001377156.1); short protein forms R100G.
Identifiers: ClinVar variation 1376826 (VCV001376826.6), dbSNP rs762099941, ClinGen allele CA4148567.
Genomic context (GRCh38, chr7:5,741,719, plus strand): 5'-CAAACAATGGGTTGTTACACACTGAAAAATAGCTGCTCTTATCTGATTCAAATGCTGCTC[T>C]AGACTTTTTAGGCCTTTCTTCTCCCAACCTTTTCAGATCTTGCCACTGGGCAGCTGGTTT-3'
Protein context (NP_996994.1, residues 90-110): RLGEERPKKS[Arg100Gly]AAFESDKSSY

ClinVar aggregate classification (germline): Uncertain significance (1 of 4 stars; one submission).

gnomAD v4.1: 1 of 1,614,236 alleles (0.000062%); no homozygotes.

Submission:

Labcorp Genetics (formerly Invitae), Labcorp
Classification: Uncertain significance. Last evaluated: 2022-03-12. Review status: criteria provided, single submitter. Criteria: Invitae Variant Classification Sherloc (09022015). Collection method: clinical testing. Allele origin: germline.
Comment: This variant has not been reported in the literature in individuals affected with RNF216-related conditions. This variant is present in population databases (rs762099941, gnomAD 0.002%). This sequence change replaces arginine, which is basic and polar, with glycine, which is neutral and non-polar, at codon 100 of the RNF216 protein (p.Arg100Gly). Algorithms developed to predict the effect of missense changes on protein structure and function are either unavailable or do not agree on the potential impact of this missense change (SIFT: "Tolerated"; PolyPhen-2: "Possibly Damaging"; Align-GVGD: "Class C0"). In summary, the available evidence is currently insufficient to determine the role of this variant in disease. Therefore, it has been classified as a Variant of Uncertain Significance. Algorithms developed to predict the effect of sequence changes on RNA splicing suggest that this variant may disrupt the consensus splice site.